The following is an entry in ClinVar:

ClinVar aggregate classification (germline): Likely pathogenic (1 of 4 stars; one submission).

Conditions:
Ghosal hematodiaphyseal dysplasia. Also called: Ghosal hematodiaphyseal syndrome. Identifiers: Orphanet 1802, MedGen C1856465, MONDO:0009274, OMIM 231095.

Submission:

First Genomix Gene Laboratory, Genetic Diagnostics Department
Classification: Likely pathogenic for Ghosal hematodiaphyseal dysplasia. Last evaluated: 2025-03-20. Review status: criteria provided, single submitter. Criteria: ACMG Guidelines, 2015. Collection method: clinical testing. Allele origin: germline. Inheritance: Autosomal recessive inheritance. Affected: no. Observed: 1 variant allele.

NM_001061.7(TBXAS1):c.79del (p.Leu27fs)

Genes: TBXAS1 (thromboxane A synthase 1; plus strand), LOC126860199 (CDK7 strongly-dependent group 2 enhancer GRCh37_chr7:139528736-139529935; plus strand). Cytogenetic location: 7q34.
Variant type: Deletion.
Coding change: c.79del on transcript NM_001061.7 (MANE Select); coding-DNA position 79, one base deleted (C; older notation c.79delC).
Protein change: p.Leu27fs; shifts the reading frame from leucine 27.
Molecular consequence: frameshift variant. On other transcripts: 5 prime UTR variant (2), intron variant (1).
Genome position (GRCh38, 1-based): chr7:139,829,469, C deleted; the last of 3 consecutive C bases (chr7:139,829,467-139,829,469); deleting any one gives the same sequence. VCF-style (leftmost placement, unchanged base first): chr7-139829466-GC-G. GRCh37 (hg19) VCF-style: chr7-139529265-GC-G.
Other names: c.79delC (NM_001061.7); c.79del, p.Leu27fs (NM_001130966.5, NM_001166253.4, NM_001366538.2 and 1 more transcripts); c.-8del (NM_001314028.4, NM_001366537.3); c.-113+42043del (NM_001166254.4); short protein forms L27fs.
Identifiers: ClinVar variation 4845772 (VCV004845772.1).